The following is an entry in ClinVar:

NM_007078.3(LDB3):c.1919A>G (p.Lys640Arg)

Gene: LDB3 (LIM domain binding 3; plus strand). Cytogenetic location: 10q23.2.
Variant type: single nucleotide variant.
Coding change: c.1919A>G on transcript NM_007078.3 (MANE Select); coding-DNA position 1919, A replaced by G.
Protein change: p.Lys640Arg; replaces lysine 640 with arginine.
Molecular consequence: missense variant.
Genome position (GRCh38, 1-based): chr10:86,718,788, A>G. VCF-style: chr10-86718788-A-G. GRCh37 (hg19) VCF-style: chr10-88478545-A-G.
Other names: c.1589A>G, p.Lys530Arg (NM_001080114.2); c.1934A>G, p.Lys645Arg (NM_001171610.2); c.1730A>G, p.Lys577Arg (NM_001368064.1, NM_001368065.1); c.1778A>G, p.Lys593Arg (NM_001368066.1); short protein forms K530R, K577R, K593R, K645R, K640R.
Identifiers: ClinVar variation 4826141 (VCV004826141.1).

ClinVar aggregate classification (germline): Uncertain significance (1 of 4 stars; one submission).

Conditions:
Cardiovascular phenotype. Identifiers: MedGen CN230736.

gnomAD v4.1: 5 of 1,614,192 alleles (0.00031%); highest among the groups gnomAD compares: South Asian, 0.0011%; no homozygotes.

Submission:

Ambry Genetics
Classification: Uncertain significance for Cardiovascular phenotype. Last evaluated: 2026-03-01. Review status: criteria provided, single submitter. Criteria: Ambry Variant Classification Scheme 2023. Collection method: clinical testing. Allele origin: germline.
Comment: The p.K640R variant (also known as c.1919A>G), located in coding exon 11 of the LDB3 gene, results from an A to G substitution at nucleotide position 1919. The lysine at codon 640 is replaced by arginine, an amino acid with highly similar properties. This amino acid position is conserved. In addition, this alteration is predicted to be tolerated by in silico analysis. Based on the available evidence, the clinical significance of this variant remains unclear.